The following is an entry in ClinVar:

ClinVar aggregate classification (germline): Likely benign. Review status: criteria provided, single submitter (1 of 4 stars). 2 submissions from 2 submitters: Likely benign (1). 1 of the submissions does not count toward it. Last evaluated 2023-08-06.

Conditions:
ABCC2-related disorder. Also called: ABCC2-related condition.

Allele frequency attached by ClinVar (database versions not stated): gnomAD 0.00001; ExAC 0.00002; gnomAD exomes 0.00002; TOPMed 0.00002.

Submissions (2):

Labcorp Genetics (formerly Invitae), Labcorp
Classification: Likely benign. Last evaluated: 2023-08-06. Review status: criteria provided, single submitter. Criteria: Invitae Variant Classification Sherloc (09022015). Collection method: clinical testing. Allele origin: germline.

PreventionGenetics, part of Exact Sciences
Classification: Likely benign for ABCC2-related condition. Last evaluated: 2023-08-22. Review status: no assertion criteria provided. Collection method: clinical testing. Allele origin: germline. Not counted in ClinVar's aggregate classification.
Comment: This variant is classified as likely benign based on ACMG/AMP sequence variant interpretation guidelines (Richards et al. 2015 PMID: 25741868, with internal and published modifications).

NM_000392.5(ABCC2):c.900G>T (p.Gly300=)

Gene: ABCC2 (ATP binding cassette subfamily C member 2; plus strand). Cytogenetic location: 10q24.2.
Variant type: single nucleotide variant.
Coding change: c.900G>T on transcript NM_000392.5 (MANE Select); coding-DNA position 900, G replaced by T.
Protein change: p.Gly300=; no amino-acid change (glycine 300 retained).
Molecular consequence: synonymous variant.
Genome position (GRCh38, 1-based): chr10:99,799,239, G>T. VCF-style: chr10-99799239-G-T. GRCh37 (hg19) VCF-style: chr10-101558996-G-T.
Other names: c.900G>T (NM_000392.4).
Identifiers: ClinVar variation 2883538 (VCV002883538.5), dbSNP rs575848842, ClinGen allele CA5643028.